The following is an entry in ClinVar:

NM_004247.4(EFTUD2):c.952T>C (p.Phe318Leu)

Gene: EFTUD2 (elongation factor Tu GTP binding domain containing 2; minus strand). Cytogenetic location: 17q21.31.
Variant type: single nucleotide variant.
Coding change: c.952T>C on transcript NM_004247.4 (MANE Select); coding-DNA position 952, T replaced by C.
Protein change: p.Phe318Leu; replaces phenylalanine 318 with leucine.
Molecular consequence: missense variant.
Genome position (GRCh38, 1-based): chr17:44,872,488, A>G on the plus strand (T>C on the coding strand, the complement: EFTUD2 is on the minus strand). VCF-style: chr17-44872488-A-G. GRCh37 (hg19) VCF-style: chr17-42949856-A-G.
Other names: c.847T>C, p.Phe283Leu (NM_001142605.2); c.952T>C, p.Phe318Leu (NM_001258353.2); c.922T>C, p.Phe308Leu (NM_001258354.2); short protein forms F318L, F308L, F283L.
Identifiers: ClinVar variation 2003675 (VCV002003675.4), dbSNP rs2050873345, ClinGen allele CA399818084.

ClinVar aggregate classification (germline): Uncertain significance (1 of 4 stars; one submission).

Submission:

Labcorp Genetics (formerly Invitae), Labcorp
Classification: Uncertain significance. Last evaluated: 2024-02-17. Review status: criteria provided, single submitter. Criteria: Invitae Variant Classification Sherloc (09022015). Collection method: clinical testing. Allele origin: germline.
Comment: This sequence change replaces phenylalanine, which is neutral and non-polar, with leucine, which is neutral and non-polar, at codon 318 of the EFTUD2 protein (p.Phe318Leu). This variant is not present in population databases (gnomAD no frequency). This variant has not been reported in the literature in individuals affected with EFTUD2-related conditions. ClinVar contains an entry for this variant (Variation ID: 2003675). Advanced modeling of protein sequence and biophysical properties (such as structural, functional, and spatial information, amino acid conservation, physicochemical variation, residue mobility, and thermodynamic stability) performed at Invitae indicates that this missense variant is expected to disrupt EFTUD2 protein function with a positive predictive value of 80%. In summary, the available evidence is currently insufficient to determine the role of this variant in disease. Therefore, it has been classified as a Variant of Uncertain Significance.